The following is an entry in ClinVar:

ClinVar aggregate classification (germline): Likely benign. Review status: criteria provided, multiple submitters, no conflicts (2 of 4 stars). 2 submissions from 2 submitters: Likely benign (2). Last evaluated 2018-06-16.

Allele frequency attached by ClinVar (database versions not stated): 1000 Genomes Project 0.00759; 1000 Genomes Project 30x 0.00796; gnomAD 0.01340 and 0.01392; TOPMed 0.01439.
gnomAD v4.1: 2,075 of 152,166 alleles (1.4%); highest among the groups gnomAD compares: Non-Finnish European, 2.3%; 29 homozygotes.

Submissions (2):

GeneDx
Classification: Likely benign. Last evaluated: 2018-06-16. Review status: criteria provided, single submitter. Criteria: GeneDx Variant Classification (06012015). Collection method: clinical testing. Allele origin: germline. Affected: yes.
Comment: This variant is considered likely benign or benign based on one or more of the following criteria: it is a conservative change, it occurs at a poorly conserved position in the protein, it is predicted to be benign by multiple in silico algorithms, and/or has population frequency not consistent with disease.

Breakthrough Genomics
Classification: Likely benign. Review status: criteria provided, single submitter. Criteria: ACMG Guidelines, 2015. Collection method: not provided. Allele origin: germline. Inheritance: Autosomal dominant inheritance. Affected: yes.

NM_004519.4(KCNQ3):c.605-259T>C

Gene: KCNQ3 (potassium voltage-gated channel subfamily Q member 3; minus strand). Cytogenetic location: 8q24.22.
Variant type: single nucleotide variant.
Coding change: c.605-259T>C on transcript NM_004519.4 (MANE Select); 259 bases into the intron before coding-DNA position 605, T replaced by C.
Molecular consequence: intron variant.
Genome position (GRCh38, 1-based): chr8:132,180,588, A>G on the plus strand (T>C on the coding strand, the complement: KCNQ3 is on the minus strand). VCF-style: chr8-132180588-A-G. GRCh37 (hg19) VCF-style: chr8-133192835-A-G.
Other names: c.245-259T>C (NM_001204824.2).
Identifiers: ClinVar variation 669748 (VCV000669748.2), dbSNP rs72717400, ClinGen allele CA186223987.